The following is an entry in ClinVar:

NM_003482.4(KMT2D):c.7445G>C (p.Gly2482Ala)

Gene: KMT2D (lysine methyltransferase 2D; minus strand). Cytogenetic location: 12q13.12.
Variant type: single nucleotide variant.
Coding change: c.7445G>C on transcript NM_003482.4 (MANE Select); coding-DNA position 7445, G replaced by C.
Protein change: p.Gly2482Ala; replaces glycine 2482 with alanine.
Molecular consequence: missense variant.
Genome position (GRCh38, 1-based): chr12:49,040,325, C>G on the plus strand (G>C on the coding strand, the complement: KMT2D is on the minus strand). VCF-style: chr12-49040325-C-G. GRCh37 (hg19) VCF-style: chr12-49434108-C-G.
Other names: short protein forms G2482A.
Identifiers: ClinVar variation 2142081 (VCV002142081.5), dbSNP rs1281138364, ClinGen allele CA384747685.

ClinVar aggregate classification (germline): Uncertain significance. Review status: criteria provided, multiple submitters, no conflicts (2 of 4 stars). 2 submissions from 2 submitters: Uncertain significance (2). Last evaluated 2023-12-11.

Conditions:
Kabuki syndrome. Also called: NIIKAWA-KUROKI SYNDROME; Kabuki make-up syndrome. Identifiers: Orphanet 2322, MedGen C0796004, MONDO:0016512.

Allele frequency attached by ClinVar (database versions not stated): gnomAD 0.00001; TOPMed 0.00001.
gnomAD v4.1: 9 of 1,575,524 alleles (0.00057%); highest among the groups gnomAD compares: Non-Finnish European, 0.00078%; no homozygotes.

Submissions (2):

Women's Health and Genetics/Laboratory Corporation of America, LabCorp
Classification: Uncertain significance. Last evaluated: 2023-12-11. Review status: criteria provided, single submitter. Criteria: LabCorp Variant Classification Summary - May 2015. Collection method: clinical testing. Allele origin: germline.
Comment: Variant summary: MLL2 c.7445G>C (p.Gly2482Ala) results in a non-conservative amino acid change in the encoded protein sequence. Three of five in-silico tools predict a benign effect of the variant on protein function. The variant was absent in 31364 control chromosomes (gnomAD). The available data on variant occurrences in the general population are insufficient to allow any conclusion about variant significance. To our knowledge, no occurrence of c.7445G>C in individuals affected with Kabuki Syndrome 1 and no experimental evidence demonstrating its impact on protein function have been reported. One submitter has cited clinical-significance assessments for this variant to ClinVar after 2014 and has classified the variant as uncertain significance. Based on the evidence outlined above, the variant was classified as uncertain significance.

Labcorp Genetics (formerly Invitae), Labcorp
Classification: Uncertain significance for Kabuki syndrome. Last evaluated: 2023-12-08. Review status: criteria provided, single submitter. Criteria: Invitae Variant Classification Sherloc (09022015). Collection method: clinical testing. Allele origin: germline.
Comment: This sequence change replaces glycine, which is neutral and non-polar, with alanine, which is neutral and non-polar, at codon 2482 of the KMT2D protein (p.Gly2482Ala). This variant is not present in population databases (gnomAD no frequency). This variant has not been reported in the literature in individuals affected with KMT2D-related conditions. ClinVar contains an entry for this variant (Variation ID: 2142081). Advanced modeling of protein sequence and biophysical properties (such as structural, functional, and spatial information, amino acid conservation, physicochemical variation, residue mobility, and thermodynamic stability) performed at Invitae indicates that this missense variant is not expected to disrupt KMT2D protein function with a negative predictive value of 95%. In summary, the available evidence is currently insufficient to determine the role of this variant in disease. Therefore, it has been classified as a Variant of Uncertain Significance.